The following is an entry in ClinVar:

NM_019109.5(ALG1):c.22C>T (p.Leu8=)

Gene: ALG1 (ALG1 chitobiosyldiphosphodolichol beta-mannosyltransferase; plus strand). Cytogenetic location: 16p13.3.
Variant type: single nucleotide variant.
Coding change: c.22C>T on transcript NM_019109.5 (MANE Select); coding-DNA position 22, C replaced by T.
Protein change: p.Leu8=; no amino-acid change (leucine 8 retained).
Molecular consequence: synonymous variant.
Genome position (GRCh38, 1-based): chr16:5,071,871, C>T. VCF-style: chr16-5071871-C-T. GRCh37 (hg19) VCF-style: chr16-5121872-C-T.
Identifiers: ClinVar variation 790875 (VCV000790875.35), dbSNP rs144712188, ClinGen allele CA7889638.
Genomic context (GRCh38, chr16:5,071,871, plus strand): 5'-GAGGAAGCGCGGTCACGTGACTGCTGCGGGCCAGCCAAGATGGCGGCCTCATGCTTGGTC[C>T]TGCTGGCGCTGTGTCTGCTGCTGCCGCTGCTGCTGCTGGGAGGATGGAAGCGCTGGCGCC-3'
Protein context (NP_061982.3, residues 1-18): MAASCLV[Leu8=]LALCLLLPLL

ClinVar aggregate classification (germline): Benign/Likely benign. Review status: criteria provided, multiple submitters, no conflicts (2 of 4 stars). 3 submissions from 3 submitters: Benign (1); Likely benign (2). Last evaluated 2026-02-02.

Conditions:
ALG1-congenital disorder of glycosylation. Also called: ALG1-CDG; CONGENITAL DISORDER OF GLYCOSYLATION, TYPE Ik; CDG Ik. Identifiers: Orphanet 79327, MedGen C2931005, MONDO:0012052, OMIM 608540.

Allele frequency attached by ClinVar (database versions not stated): gnomAD 0.00001 and 0.00033; TOPMed 0.00006; ESP Exome Variant Server 0.00008; 1000 Genomes Project 0.00200; 1000 Genomes Project 30x 0.00203.
gnomAD v4.1: 888 of 1,604,634 alleles (0.055%); highest among the groups gnomAD compares: South Asian, 0.85%; 12 homozygotes.

Submissions (3):

Labcorp Genetics (formerly Invitae), Labcorp
Classification: Benign for ALG1-congenital disorder of glycosylation. Last evaluated: 2026-02-02. Review status: criteria provided, single submitter. Criteria: Invitae Variant Classification Sherloc (09022015). Collection method: clinical testing. Allele origin: germline.

CeGaT Center for Human Genetics Tuebingen
Classification: Likely benign. Last evaluated: 2022-03-01. Review status: criteria provided, single submitter. Criteria: CeGaT Center For Human Genetics Tuebingen Variant Classification Criteria Version 2. Collection method: clinical testing. Allele origin: germline. Affected: yes. Observed: 1 variant allele.
Comment: ALG1: BP4, BP7

Fulgent Genetics
Classification: Likely benign for ALG1-congenital disorder of glycosylation. Last evaluated: 2021-12-03. Review status: criteria provided, single submitter. Criteria: ACMG Guidelines, 2015. Collection method: clinical testing. Allele origin: unknown.